The following is an entry in ClinVar:

NM_000257.4(MYH7):c.2536G>A (p.Glu846Lys)

Genes: MYH7 (myosin heavy chain 7; minus strand), LOC126861898 (BRD4-independent group 4 enhancer GRCh37_chr14:23893609-23894808; plus strand). Cytogenetic location: 14q11.2.
Variant type: single nucleotide variant.
Coding change: c.2536G>A on transcript NM_000257.4 (MANE Select); coding-DNA position 2536, G replaced by A.
Protein change: p.Glu846Lys; replaces glutamic acid 846 with lysine.
Molecular consequence: missense variant.
Genome position (GRCh38, 1-based): chr14:23,424,912, C>T on the plus strand (G>A on the coding strand, the complement: MYH7 is on the minus strand). VCF-style: chr14-23424912-C-T. GRCh37 (hg19) VCF-style: chr14-23894121-C-T.
Other names: short protein forms E846K.
Identifiers: ClinVar variation 1346134 (VCV001346134.9), dbSNP rs730880748, ClinGen allele CA389048208.
Genomic context (GRCh38, chr14:23,424,912, plus strand): 5'-ACTTCTCTAGCGCCTCTTTGAGGCGTGTGAACTCCTCCTTCATGGAGGCCATCTCCTTCT[C>T]TCTTTCTGCACTCTTCAGCAGCGGCTTGATCTTGAAGTAGAGCTTCATCCAGGGCCAATT-3'
Protein context (NP_000248.2, residues 836-856): IKPLLKSAER[Glu846Lys]KEMASMKEEF

ClinVar aggregate classification (germline): Pathogenic/Likely pathogenic. Review status: criteria provided, multiple submitters, no conflicts (2 of 4 stars). 2 submissions from 2 submitters: Pathogenic (1); Likely pathogenic (1). Last evaluated 2025-09-10.

Conditions:
Hypertrophic cardiomyopathy. Also called: HYPERTROPHIC MYOCARDIOPATHY. Identifiers: Orphanet 217569, MedGen C0007194, MeSH D002312, MONDO:0005045, HP:0001639.
Cardiovascular phenotype. Identifiers: MedGen CN230736.

Submissions (2):

Labcorp Genetics (formerly Invitae), Labcorp
Classification: Pathogenic for Hypertrophic cardiomyopathy. Last evaluated: 2025-09-10. Review status: criteria provided, single submitter. Criteria: Invitae Variant Classification Sherloc (09022015). Collection method: clinical testing. Allele origin: germline.
Comment: This sequence change replaces glutamic acid, which is acidic and polar, with lysine, which is basic and polar, at codon 846 of the MYH7 protein (p.Glu846Lys). This variant is not present in population databases (gnomAD no frequency). This missense change has been observed in individuals with hypertrophic cardiomyopathy (PMID: 15940186, 27247418; internal data). ClinVar contains an entry for this variant (Variation ID: 1346134). Invitae Evidence Modeling of protein sequence and biophysical properties (such as structural, functional, and spatial information, amino acid conservation, physicochemical variation, residue mobility, and thermodynamic stability) indicates that this missense variant is expected to disrupt MYH7 protein function with a positive predictive value of 95%. This variant disrupts the p.Glu846 amino acid residue in MYH7. Other variant(s) that disrupt this residue have been determined to be pathogenic (PMID: 12566107; internal data). This suggests that this residue is clinically significant, and that variants that disrupt this residue are likely to be disease-causing. For these reasons, this variant has been classified as Pathogenic.

Ambry Genetics
Classification: Likely pathogenic for Cardiovascular phenotype. Last evaluated: 2024-10-08. Review status: criteria provided, single submitter. Criteria: Ambry Variant Classification Scheme 2023. Collection method: clinical testing. Allele origin: germline.
Comment: The p.E846K variant (also known as c.2536G>A), located in coding exon 20 of the MYH7 gene, results from a G to A substitution at nucleotide position 2536. The glutamic acid at codon 846 is replaced by lysine, an amino acid with similar properties. This alteration is located in the myosin head domain, which contains a statistically significant clustering of pathogenic missense variants (Homburger JR et al. Proc Natl Acad Sci U S A, 2016 06;113:6701-6; Walsh R et al. Genet Med, 2017 02;19:192-203; Ambry internal data). This variant was reported in individuals with features consistent with hypertrophic cardiomyopathy (HCM) (Homburger JR et al. Proc Natl Acad Sci U S A, 2016 Jun;113:6701-6; Magr&igrave; D et al. J Clin Med, 2020 May;9:[ePub ahead of print]; Ambry internal data). Another variant at the same codon, p.E846Q (c.2536G>C), has also been detected in multiple individuals with HCM and was reported to segregate with disease in one family (Havndrup O et al. Cardiovasc Res. 2003;57:347&ndash;357; Ho CY et al. Circ Cardiovasc Genet. 2009;2:314-321; Walsh R et al. Genet. Med., 2017 02;19:192-203; Ambry internal data). This amino acid position is highly conserved in available vertebrate species. In addition, this alteration is predicted to be deleterious by in silico analysis. This variant is considered to be rare based on population cohorts in the Genome Aggregation Database (gnomAD). Based on the majority of available evidence to date, this variant is likely to be pathogenic.

Literature cited by the submitters: PubMed 15940186 (cited by Labcorp Genetics (formerly Invitae), Labcorp); PubMed 27247418 (cited by Labcorp Genetics (formerly Invitae), Labcorp and Ambry Genetics); PubMed 12566107 (cited by Labcorp Genetics (formerly Invitae), Labcorp); PubMed 32481709 (cited by Ambry Genetics).